The following is an entry in ClinVar:

NM_018979.4(WNK1):c.4739C>T (p.Pro1580Leu)

Gene: WNK1 (WNK lysine deficient protein kinase 1; plus strand). Cytogenetic location: 12p13.33.
Variant type: single nucleotide variant.
Coding change: c.4739C>T on transcript NM_018979.4 (MANE Select); coding-DNA position 4739, C replaced by T.
Protein change: p.Pro1580Leu; replaces proline 1580 with leucine.
Molecular consequence: missense variant.
Genome position (GRCh38, 1-based): chr12:885,543, C>T. VCF-style: chr12-885543-C-T. GRCh37 (hg19) VCF-style: chr12-994709-C-T.
Other names: c.5519C>T, p.Pro1840Leu (NM_001184985.2); c.3998C>T, p.Pro1333Leu (NM_014823.3); c.5495C>T, p.Pro1832Leu (NM_213655.5); short protein forms P1832L, P1840L, P1333L, P1580L.
Identifiers: ClinVar variation 657096 (VCV000657096.9), dbSNP rs1298761421, ClinGen allele CA383331830.

ClinVar aggregate classification (germline): Uncertain significance. Review status: criteria provided, multiple submitters, no conflicts (2 of 4 stars). 2 submissions from 2 submitters: Uncertain significance (2). Last evaluated 2018-12-12.

Conditions:
Pseudohypoaldosteronism type 2C (PHA2C). Also called: Pseudohypoaldosteronism Type IIC. Identifiers: Orphanet 757, Orphanet 88940, MedGen C1840391, MONDO:0013778, OMIM 614492.
Neuropathy, hereditary sensory and autonomic, type 2A (HSAN2A). Also called: ACROOSTEOLYSIS, GIACCAI TYPE; ACROOSTEOLYSIS, NEUROGENIC; HSAN IIA; WNK1-Related HSAN2 (HSAN2A); MORVAN DISEASE; NEUROPATHY, CONGENITAL SENSORY. Identifiers: Orphanet 970, MedGen C2752089, MONDO:0024309, OMIM 201300.

Allele frequency attached by ClinVar (database versions not stated): gnomAD 0.00001; gnomAD exomes 0.00001; TOPMed 0.00001.
gnomAD v4.1: 13 of 1,613,970 alleles (0.00081%); highest among the groups gnomAD compares: South Asian, 0.0022%; no homozygotes.

Submissions (2):

Labcorp Genetics (formerly Invitae), Labcorp
Classification: Uncertain significance for Neuropathy, hereditary sensory and autonomic, type 2A; Pseudohypoaldosteronism type 2C. Last evaluated: 2018-12-12. Review status: criteria provided, single submitter. Criteria: Invitae Variant Classification Sherloc (09022015). Collection method: clinical testing. Allele origin: germline.
Comment: This variant has not been reported in the literature in individuals with WNK1-related conditions. This sequence change replaces proline with leucine at codon 1832 of the WNK1 protein (p.Pro1832Leu). The proline residue is highly conserved and there is a moderate physicochemical difference between proline and leucine. This variant is not present in population databases (ExAC no frequency). Algorithms developed to predict the effect of missense changes on protein structure and function output the following: SIFT: "Deleterious"; PolyPhen-2: "Not Available"; Align-GVGD: "Class C65". The leucine amino acid residue is found in multiple mammalian species, suggesting that this missense change does not adversely affect protein function. These predictions have not been confirmed by published functional studies and their clinical significance is uncertain. In summary, the available evidence is currently insufficient to determine the role of this variant in disease. Therefore, it has been classified as a Variant of Uncertain Significance.

Baylor Genetics
Classification: Uncertain significance for Neuropathy, hereditary sensory and autonomic, type 2A. Last evaluated: 2018-11-09. Review status: criteria provided, single submitter. Criteria: ACMG Guidelines, 2015. Collection method: clinical testing. Allele origin: paternal. Affected: yes.
Comment: This variant was determined to be of uncertain significance according to ACMG Guidelines, 2015 [PMID:25741868].